The following is an entry in ClinVar:

ClinVar aggregate classification (germline): Likely pathogenic. Review status: criteria provided, multiple submitters, no conflicts (2 of 4 stars). 3 submissions from 3 submitters: Likely pathogenic (3). Last evaluated 2026-06-29.

Conditions:
Autosomal recessive nonsyndromic hearing loss 77. Identifiers: Orphanet 90636, MedGen C2746083, MONDO:0013119, OMIM 613079.

Allele frequency attached by ClinVar (database versions not stated): TOPMed below 0.00001; gnomAD 0.00001.
gnomAD v4.1: 5 of 1,548,406 alleles (0.00032%); highest among the groups gnomAD compares: African/African-American, 0.0014%; no homozygotes.

Submissions (3):

Myriad Genetics, Inc.
Classification: Likely pathogenic for Autosomal recessive nonsyndromic hearing loss 77. Last evaluated: 2026-06-29. Review status: criteria provided, single submitter. Criteria: Myriad Autosomal Dominant, Autosomal Recessive and X-Linked Classification Criteria (2023). Collection method: clinical testing. Allele origin: unknown.
Comment: NM_144612.6(LOXHD1):c.3514+1G>A is a variant in a canonical splice site classified as likely pathogenic in the context of nonsyndromic hearing loss, LOXHD1-related. c.3514+1G>A has been observed in a case with relevant disease (PMID: 35711932). Relevant functional assessments of this variant are not available in the literature. c.3514+1G>A has been observed in referenced population frequency databases. In summary, NM_144612.6(LOXHD1):c.3514+1G>A is a variant in a canonical splice site in a gene where loss of function is a known mechanism of disease, is predicted to disrupt protein function, and has been observed more frequently in cases with the relevant disease than in healthy populations. Please note: this variant was assessed in the context of healthy population screening.

Fulgent Genetics
Classification: Likely pathogenic for Autosomal recessive nonsyndromic hearing loss 77. Last evaluated: 2024-05-23. Review status: criteria provided, single submitter. Criteria: ACMG Guidelines, 2015. Collection method: clinical testing. Allele origin: germline.

Labcorp Genetics (formerly Invitae), Labcorp
Classification: Likely pathogenic. Last evaluated: 2023-09-06. Review status: criteria provided, single submitter. Criteria: Invitae Variant Classification Sherloc (09022015). Collection method: clinical testing. Allele origin: germline.
Comment: In summary, the currently available evidence indicates that the variant is pathogenic, but additional data are needed to prove that conclusively. Therefore, this variant has been classified as Likely Pathogenic. Algorithms developed to predict the effect of sequence changes on RNA splicing suggest that this variant may disrupt the consensus splice site. ClinVar contains an entry for this variant (Variation ID: 1066314). This variant has not been reported in the literature in individuals affected with LOXHD1-related conditions. This variant is present in population databases (no rsID available, gnomAD 0.002%). This sequence change affects a donor splice site in intron 22 of the LOXHD1 gene. It is expected to disrupt RNA splicing. Variants that disrupt the donor or acceptor splice site typically lead to a loss of protein function (PMID: 16199547), and loss-of-function variants in LOXHD1 are known to be pathogenic (PMID: 19732867, 21465660, 25792669).

Literature cited by the submitters: PubMed 35711932 (cited by Myriad Genetics, Inc.); PubMed 16199547 (cited by Labcorp Genetics (formerly Invitae), Labcorp); PubMed 19732867 (cited by Labcorp Genetics (formerly Invitae), Labcorp); PubMed 21465660 (cited by Labcorp Genetics (formerly Invitae), Labcorp); PubMed 25792669 (cited by Labcorp Genetics (formerly Invitae), Labcorp).

NM_001384474.1(LOXHD1):c.3514+1G>A

Gene: LOXHD1 (lipoxygenase homology PLAT domains 1; minus strand). Cytogenetic location: 18q21.1.
Variant type: single nucleotide variant.
Coding change: c.3514+1G>A on transcript NM_001384474.1 (MANE Select); the canonical splice donor site of the intron after coding-DNA position 3514, G replaced by A.
Molecular consequence: splice donor variant.
Genome position (GRCh38, 1-based): chr18:46,546,894, C>T on the plus strand (G>A on the coding strand, the complement: LOXHD1 is on the minus strand). VCF-style: chr18-46546894-C-T. GRCh37 (hg19) VCF-style: chr18-44126857-C-T.
Other names: c.3514+1G>A (NM_144612.6, NM_144612.7); c.181+1G>A (NM_001145472.3); c.-108+1G>A (NM_001308013.2).
Identifiers: ClinVar variation 1066314 (VCV001066314.9), dbSNP rs1463849219, ClinGen allele CA402366895.